The following is an entry in ClinVar:

NM_002334.4(LRP4):c.1333G>A (p.Ala445Thr)

Gene: LRP4 (LDL receptor related protein 4; minus strand). Cytogenetic location: 11p11.2.
Variant type: single nucleotide variant.
Coding change: c.1333G>A on transcript NM_002334.4 (MANE Select); coding-DNA position 1333, G replaced by A.
Protein change: p.Ala445Thr; replaces alanine 445 with threonine.
Molecular consequence: missense variant.
Genome position (GRCh38, 1-based): chr11:46,894,796, C>T on the plus strand (G>A on the coding strand, the complement: LRP4 is on the minus strand). VCF-style: chr11-46894796-C-T. GRCh37 (hg19) VCF-style: chr11-46916347-C-T.
Other names: short protein forms A445T.
Identifiers: ClinVar variation 1465555 (VCV001465555.6), dbSNP rs1023257694, ClinGen allele CA221647570.

ClinVar aggregate classification (germline): Uncertain significance (1 of 4 stars; one submission).

Conditions:
Cenani-Lenz syndactyly syndrome. Also called: SYNDACTYLY, TYPE VII; CENANI SYNDACTYLISM. Identifiers: Orphanet 3258, MedGen C1859309, MONDO:0008931, OMIM 212780.
Congenital myasthenic syndrome 17. Identifiers: Orphanet 590, MedGen C4225377, MONDO:0014578, OMIM 616304.
Sclerosteosis 2 (SOST2). Identifiers: Orphanet 3152, MedGen C3280402, MONDO:0013679, OMIM 614305.

Allele frequency attached by ClinVar (database versions not stated): gnomAD exomes below 0.00001.
gnomAD v4.1: 2 of 1,614,150 alleles (0.00012%); highest among the groups gnomAD compares: Non-Finnish European, 0.00017%; no homozygotes.

Submission:

Labcorp Genetics (formerly Invitae), Labcorp
Classification: Uncertain significance for Cenani-Lenz syndactyly syndrome; Sclerosteosis 2; Congenital myasthenic syndrome 17. Last evaluated: 2021-07-17. Review status: criteria provided, single submitter. Criteria: Invitae Variant Classification Sherloc (09022015). Collection method: clinical testing. Allele origin: germline.
Comment: Algorithms developed to predict the effect of missense changes on protein structure and function (SIFT, PolyPhen-2, Align-GVGD) all suggest that this variant is likely to be disruptive. This variant has not been reported in the literature in individuals affected with LRP4-related conditions. This variant is not present in population databases (ExAC no frequency). This sequence change replaces alanine with threonine at codon 445 of the LRP4 protein (p.Ala445Thr). The alanine residue is highly conserved and there is a small physicochemical difference between alanine and threonine. In summary, the available evidence is currently insufficient to determine the role of this variant in disease. Therefore, it has been classified as a Variant of Uncertain Significance.